The following is an entry in ClinVar:

ClinVar aggregate classification (germline): Likely pathogenic (1 of 4 stars; one submission).

Conditions:
Mucopolysaccharidosis, MPS-II (MPS2). Also called: Hunter Syndrome; IDURONATE 2-SULFATASE DEFICIENCY; Mucopolysaccharidosis Type II; Mucopolysaccharidosis type 2; Attenuated MPS (subtype; formerly known as mild MPS II); Severe MPS II. Identifiers: Orphanet 580, Orphanet 79388, MedGen C0026705, MONDO:0010674, OMIM 309900.

Submission:

Laboratory of Diagnosis and Therapy of Lysosomal Disorders, University of Padova
Classification: Likely pathogenic for Mucopolysaccharidosis, MPS-II. Last evaluated: 2024-06-07. Review status: criteria provided, single submitter. Criteria: ACMG Guidelines, 2015. Collection method: literature only. Allele origin: germline. Affected: yes. Observed: 1 variant allele.
Comment: Null variant (PVS1_Strong), Absent from controls (or at low frequency) in gnomAD database (PM2_Moderate), Patient’s phenotype or family history highly specific for the disease (PP4_Moderate)

Classification method: ACMG Guidelines [PMID:25741868] with modifications

Literature cited by the submitters: PubMed 34670126.

NM_000202.8(IDS):c.1484_1485insTA (p.Asp496fs)

Gene: IDS (iduronate 2-sulfatase; minus strand). Cytogenetic location: Xq28.
Variant type: Insertion.
Coding change: c.1484_1485insTA on transcript NM_000202.8 (MANE Select); coding-DNA positions 1484 to 1485, TA inserted.
Protein change: p.Asp496fs; shifts the reading frame from aspartic acid 496.
Molecular consequence: frameshift variant.
Genome position: GRCh38 VCF-style: chrX-149482914-T-TTA. GRCh37 (hg19) VCF-style: chrX-148564445-T-TTA.
Other names: c.1214_1215insTA, p.Asp406fs (NM_001166550.4); short protein forms D406fs, D496fs.
Identifiers: ClinVar variation 3256075 (VCV003256075.2).
Genomic context (GRCh38, chrX:149,482,914, plus strand): 5'-AGAAAAGTTAGCTAGAAATTCATCAGGATTGAAGCCAACCCACACAGTATACCTATAGTC[T>TTA]ATGGTGCGTATGGAATAGCCCATGATCTTTATATCTTTTAAACTCGGCTTGTCAGAATTC-3'